The following is an entry in ClinVar:

ClinVar aggregate classification (germline): Pathogenic (1 of 4 stars; one submission).

Submission:

Labcorp Genetics (formerly Invitae), Labcorp
Classification: Pathogenic. Last evaluated: 2022-11-11. Review status: criteria provided, single submitter. Criteria: Invitae Variant Classification Sherloc (09022015). Collection method: clinical testing. Allele origin: germline.
Comment: This sequence change inserts a large fragment of DNA, likely a transposable element, in exon 10 of the DSG4 gene (c.1375_1376ins?), causing a frameshift at codon 459 (p.Ile459fs). The exact size and sequence of the insertion cannot be determined by the current assay. However, the insertion is expected to result in an absent or disrupted protein product. This variant is not present in population databases (gnomAD no frequency). This variant has not been reported in the literature in individuals affected with DSG4-related conditions. Algorithms developed to predict the effect of sequence changes on RNA splicing suggest that this variant may disrupt the consensus splice site. Retrotransposon insertions including LINE1 (L1), Alu, and SVA (SINE-VNTR-Alu) have been reported to be disease-causing through disruption of either a coding region or splice site (PMID: 19763152, 20307669, 22406018) and loss-of-function variants in DSG4 are known to be pathogenic (PMID: 16439973, 16575393). For these reasons, this variant has been classified as Pathogenic.

Literature cited by the submitters: PubMed 19763152; PubMed 20307669; PubMed 22406018; PubMed 16439973; PubMed 16575393.

NM_177986.5(DSG4):c.1375_1376insGGCCGGGCGCGGTGGCTCACGCCTGTAATCCCAGCACTTTGGGAGGCCGAGGCGGGCGGATCACGAGGTNNNNNNNNNNAAAAAAAAAAAAAAAAAAAAAAGAAGTCAAAATATA (p.Ile459fs)

Genes: DSG1-AS1 (DSG1 antisense RNA 1; minus strand), DSG4 (desmoglein 4; plus strand). Cytogenetic location: 18q12.1.
Variant type: Microsatellite.
Coding change: c.1375_1376insGGCCGGGCGCGGTGGCTCACGCCTGTAATCCCAGCACTTTGGGAGGCCGAGGCGGGCGGATCACGAGGTNNNNNNNNNNAAAAAAAAAAAAAAAAAAAAAAGAAGTCAAAATATA on transcript NM_177986.5 (MANE Select); coding-DNA positions 1375 to 1376, GGCCGGGCGCGGTGGCTCACGCCTGTAATCCCAGCACTTTGGGAGGCCGAGGCGGGCGGATCACGAGGTNNNNNNNNNNAAAAAAAAAAAAAAAAAAAAAAGAAGTCAAAATATA inserted.
Protein change: p.Ile459fs; shifts the reading frame from isoleucine 459.
Molecular consequence: frameshift variant.
Genome position: GRCh38: chr18:31,400,963-31,400,978. GRCh37 (hg19), VCF-style position (the base before the change): chr18:28,980,925.
Other names: c.1375_1376insGGCCGGGCGCGGTGGCTCACGCCTGTAATCCCAGCACTTTGGGAGGCCGAGGCGGGCGGATCACGAGGTNNNNNNNNNNAAAAAAAAAAAAAAAAAAAAAAGAAGTCAAAATATA, p.Ile459fs (NM_001134453.3); short protein forms I459fs.
Identifiers: ClinVar variation 2813708 (VCV002813708.3).